The following is an entry in ClinVar:

NM_001035.3(RYR2):c.14843G>A (p.Cys4948Tyr)

Gene: RYR2 (ryanodine receptor 2; plus strand). Cytogenetic location: 1q43.
Variant type: single nucleotide variant.
Coding change: c.14843G>A on transcript NM_001035.3 (MANE Select); coding-DNA position 14843, G replaced by A.
Protein change: p.Cys4948Tyr; replaces cysteine 4948 with tyrosine.
Molecular consequence: missense variant.
Genome position (GRCh38, 1-based): chr1:237,832,586, G>A. VCF-style: chr1-237832586-G-A. GRCh37 (hg19) VCF-style: chr1-237995886-G-A.
Other names: short protein forms C4948Y.
Identifiers: ClinVar variation 1677644 (VCV001677644.4), dbSNP rs2102968070, ClinGen allele CA345410823.

ClinVar aggregate classification (germline): Uncertain significance. Review status: criteria provided, multiple submitters, no conflicts (2 of 4 stars). 3 submissions from 3 submitters: Uncertain significance (3). Last evaluated 2024-12-09.

Conditions:
Catecholaminergic polymorphic ventricular tachycardia 1. Also called: VENTRICULAR TACHYCARDIA, STRESS-INDUCED POLYMORPHIC 1; VENTRICULAR TACHYCARDIA, CATECHOLAMINERGIC POLYMORPHIC, 1, WITH OR WITHOUT ATRIAL DYSFUNCTION AND/OR DILATED CARDIOMYOPATHY; RYR2-Related Catecholaminergic Polymorphic Ventricular Tachycardia. Identifiers: Orphanet 3286, MedGen C1631597, MONDO:0011484, OMIM 604772.
Ventricular arrhythmias due to cardiac ryanodine receptor calcium release deficiency syndrome. Also called: Autosomal dominant cardiac arrhythmia (Kuhn). Identifiers: MedGen C5542154, MONDO:0020745, OMIM 115000.
Arrhythmogenic right ventricular dysplasia 2. Identifiers: MedGen C1832931.

Submissions (3):

Labcorp Genetics (formerly Invitae), Labcorp
Classification: Uncertain significance for Catecholaminergic polymorphic ventricular tachycardia 1. Last evaluated: 2024-12-09. Review status: criteria provided, single submitter. Criteria: Invitae Variant Classification Sherloc (09022015). Collection method: clinical testing. Allele origin: germline.
Comment: This sequence change replaces cysteine, which is neutral and slightly polar, with tyrosine, which is neutral and polar, at codon 4948 of the RYR2 protein (p.Cys4948Tyr). This variant is not present in population databases (gnomAD no frequency). This variant has not been reported in the literature in individuals affected with RYR2-related conditions. ClinVar contains an entry for this variant (Variation ID: 1677644). Invitae Evidence Modeling of protein sequence and biophysical properties (such as structural, functional, and spatial information, amino acid conservation, physicochemical variation, residue mobility, and thermodynamic stability) indicates that this missense variant is expected to disrupt RYR2 protein function with a positive predictive value of 95%. Algorithms developed to predict the effect of sequence changes on RNA splicing suggest that this variant may create or strengthen a splice site. In summary, the available evidence is currently insufficient to determine the role of this variant in disease. Therefore, it has been classified as a Variant of Uncertain Significance.

AiLife Diagnostics
Classification: Uncertain significance. Last evaluated: 2021-11-18. Review status: criteria provided, single submitter. Criteria: ACMG Guidelines, 2015. Collection method: clinical testing. Allele origin: germline. Affected: yes. Observed: 1 variant allele.

Fulgent Genetics
Classification: Uncertain significance for Ventricular arrhythmias due to cardiac ryanodine receptor calcium release deficiency syndrome; Catecholaminergic polymorphic ventricular tachycardia 1. Last evaluated: 2021-10-20. Review status: criteria provided, single submitter. Criteria: ACMG Guidelines, 2015. Collection method: clinical testing. Allele origin: unknown.